The following is an entry in ClinVar:

ClinVar aggregate classification (germline): Uncertain significance (1 of 4 stars; one submission).

Allele frequency attached by ClinVar (database versions not stated): gnomAD exomes below 0.00001 and 0.00002; TOPMed 0.00001; ExAC 0.00002.

Submission:

Labcorp Genetics (formerly Invitae), Labcorp
Classification: Uncertain significance. Last evaluated: 2022-12-06. Review status: criteria provided, single submitter. Criteria: Invitae Variant Classification Sherloc (09022015). Collection method: clinical testing. Allele origin: germline.
Comment: In summary, the available evidence is currently insufficient to determine the role of this variant in disease. Therefore, it has been classified as a Variant of Uncertain Significance. Algorithms developed to predict the effect of sequence changes on RNA splicing suggest that this variant may create or strengthen a splice site. ClinVar contains an entry for this variant (Variation ID: 1422632). This variant has not been reported in the literature in individuals affected with SPPL2A-related conditions. This variant is present in population databases (rs753370599, gnomAD 0.03%). This sequence change affects codon 276 of the SPPL2A mRNA. It is a 'silent' change, meaning that it does not change the encoded amino acid sequence of the SPPL2A protein.

NM_032802.4(SPPL2A):c.828C>T (p.Cys276=)

Gene: SPPL2A (signal peptide peptidase like 2A; minus strand). Cytogenetic location: 15q21.2.
Variant type: single nucleotide variant.
Coding change: c.828C>T on transcript NM_032802.4 (MANE Select); coding-DNA position 828, C replaced by T.
Protein change: p.Cys276=; no amino-acid change (cysteine 276 retained).
Molecular consequence: synonymous variant.
Genome position (GRCh38, 1-based): chr15:50,736,646, G>A on the plus strand (C>T on the coding strand, the complement: SPPL2A is on the minus strand). VCF-style: chr15-50736646-G-A. GRCh37 (hg19) VCF-style: chr15-51028843-G-A.
Identifiers: ClinVar variation 1422632 (VCV001422632.8), dbSNP rs753370599, ClinGen allele CA7558411.